The following is an entry in ClinVar:

ClinVar aggregate classification (germline): Benign/Likely benign. Review status: criteria provided, multiple submitters, no conflicts (2 of 4 stars). 7 submissions from 7 submitters: Benign (6); Likely benign (1). Last evaluated 2026-05-11.

Conditions:
Achondrogenesis, type IA (ACG1A). Identifiers: Orphanet 932, Orphanet 93299, MedGen C0265273, MONDO:0008701, OMIM 200600.
Connective tissue disorder. Also called: Connective tissue disease. Identifiers: MedGen C0009782, MONDO:0003900.

Allele frequency attached by ClinVar (database versions not stated): TOPMed 0.01437; ESP Exome Variant Server 0.01377; gnomAD 0.01322; 1000 Genomes Project 0.01857; 1000 Genomes Project 30x 0.01968.
gnomAD v4.1: 4,196 of 1,613,438 alleles (0.26%); highest among the groups gnomAD compares: African/African-American, 4.8%; 70 homozygotes.

Submissions (7):

Women's Health and Genetics/Laboratory Corporation of America, LabCorp
Classification: Likely benign. Last evaluated: 2026-05-11. Review status: criteria provided, single submitter. Criteria: LabCorp Variant Classification Summary - May 2015. Collection method: clinical testing. Allele origin: germline.

Labcorp Genetics (formerly Invitae), Labcorp
Classification: Benign for Achondrogenesis, type IA. Last evaluated: 2026-02-03. Review status: criteria provided, single submitter. Criteria: Invitae Variant Classification Sherloc (09022015). Collection method: clinical testing. Allele origin: germline.

ARUP Laboratories, Molecular Genetics and Genomics, ARUP Laboratories
Classification: Benign. Last evaluated: 2023-11-06. Review status: criteria provided, single submitter. Criteria: ARUP Molecular Germline Variant Investigation Process 2024. Collection method: clinical testing. Allele origin: germline.

Genome Diagnostics Laboratory, The Hospital for Sick Children
Classification: Benign for Connective tissue disorder. Last evaluated: 2021-11-01. Review status: criteria provided, single submitter. Criteria: ACMG Guidelines, 2015. Collection method: clinical testing. Allele origin: germline.

Illumina Laboratory Services, Illumina
Classification: Benign for Achondrogenesis, type IA. Last evaluated: 2018-01-12. Review status: criteria provided, single submitter. Criteria: ICSL Variant Classification Criteria 13 December 2019. Collection method: clinical testing. Allele origin: germline.
Comment: This variant was observed in the ICSL laboratory as part of a predisposition screen in an ostensibly healthy population. It had not been previously curated by ICSL or reported in the Human Gene Mutation Database (HGMD: prior to June 1st, 2018), and was therefore a candidate for classification through an automated scoring system. Utilizing variant allele frequency, disease prevalence and penetrance estimates, and inheritance mode, an automated score was calculated to assess if this variant is too frequent to cause the disease. Based on the score and internal cut-off values, a variant classified as benign is not then subjected to further curation. The score for this variant resulted in a classification of benign for this disease.

GeneDx
Classification: Benign. Last evaluated: 2016-10-31. Review status: criteria provided, single submitter. Criteria: GeneDx Variant Classification (06012015). Collection method: clinical testing. Allele origin: germline. Affected: yes.
Comment: This variant is considered likely benign or benign based on one or more of the following criteria: it is a conservative change, it occurs at a poorly conserved position in the protein, it is predicted to be benign by multiple in silico algorithms, and/or has population frequency not consistent with disease.

Breakthrough Genomics
Classification: Benign. Review status: criteria provided, single submitter. Criteria: ACMG Guidelines, 2015. Collection method: not provided. Allele origin: germline. Inheritance: Autosomal recessive inheritance. Affected: yes.

NM_004239.4(TRIP11):c.2383G>C (p.Val795Leu)

Gene: TRIP11 (thyroid hormone receptor interactor 11; minus strand). Cytogenetic location: 14q32.12.
Variant type: single nucleotide variant.
Coding change: c.2383G>C on transcript NM_004239.4 (MANE Select); coding-DNA position 2383, G replaced by C.
Protein change: p.Val795Leu; replaces valine 795 with leucine.
Molecular consequence: missense variant.
Genome position (GRCh38, 1-based): chr14:92,005,593, C>G on the plus strand (G>C on the coding strand, the complement: TRIP11 is on the minus strand). VCF-style: chr14-92005593-C-G. GRCh37 (hg19) VCF-style: chr14-92471937-C-G.
Other names: c.2380G>C, p.Val794Leu (NM_001321851.1); short protein forms V795L, V794L.
Identifiers: ClinVar variation 314960 (VCV000314960.27), dbSNP rs34699762, ClinGen allele CA7313782.